The following is an entry in ClinVar:

ClinVar aggregate classification (germline): Uncertain significance (1 of 4 stars; one submission).

Conditions:
Ataxia-telangiectasia syndrome (AT). Also called: Cerebello-oculocutaneous telangiectasia; Immunodeficiency with ataxia telangiectasia; Ataxia-telangiectasia, complementation group D; AT, COMPLEMENTATION GROUP C; Ataxia-telangiectasia, complementation group E; LOUIS-BAR SYNDROME. Identifiers: Orphanet 100, MedGen C0004135, MONDO:0008840, OMIM 208900.

Submission:

Labcorp Genetics (formerly Invitae), Labcorp
Classification: Uncertain significance for Ataxia-telangiectasia syndrome. Last evaluated: 2017-03-26. Review status: criteria provided, single submitter. Criteria: Invitae Variant Classification Sherloc (09022015). Collection method: clinical testing. Allele origin: germline.
Comment: In summary, this variant is a novel missense change with uncertain impact on protein function. It has been classified as a Variant of Uncertain Significance. Algorithms developed to predict the effect of missense changes on protein structure and function (SIFT, PolyPhen-2, Align-GVGD) all suggest that this variant is likely to be disruptive, but these predictions have not been confirmed by published functional studies. This variant is not present in population databases (ExAC no frequency) and has not been reported in the literature in individuals with a ATM-related disease. This sequence change replaces leucine with histidine at codon 954 of the ATM protein (p.Leu954His). The leucine residue is highly conserved and there is a moderate physicochemical difference between leucine and histidine.

NM_000051.4(ATM):c.2861T>A (p.Leu954His)

Gene: ATM (ATM serine/threonine kinase; plus strand). Cytogenetic location: 11q22.3.
Variant type: single nucleotide variant.
Coding change: c.2861T>A on transcript NM_000051.4 (MANE Select); coding-DNA position 2861, T replaced by A.
Protein change: p.Leu954His; replaces leucine 954 with histidine.
Molecular consequence: missense variant.
Genome position (GRCh38, 1-based): chr11:108,271,086, T>A. VCF-style: chr11-108271086-T-A. GRCh37 (hg19) VCF-style: chr11-108141813-T-A.
Other names: c.2861T>A, p.Leu954His (NM_001351834.2); short protein forms L954H.
Identifiers: ClinVar variation 453437 (VCV000453437.8), dbSNP rs1555084648, ClinGen allele CA382546763.